The following is an entry in ClinVar:

ClinVar aggregate classification (germline): Likely benign (1 of 4 stars; one submission).

Allele frequency attached by ClinVar (database versions not stated): gnomAD exomes 0.00079; gnomAD 0.00598; TOPMed 0.00659; 1000 Genomes Project 0.00874; 1000 Genomes Project 30x 0.00999.
gnomAD v4.1: 888 of 375,157 alleles (0.24%); highest among the groups gnomAD compares: African/African-American, 2.1%; 10 homozygotes.

Submission:

GeneDx
Classification: Likely benign. Last evaluated: 2019-09-02. Review status: criteria provided, single submitter. Criteria: GeneDx Variant Classification Process June 2021. Collection method: clinical testing. Allele origin: germline. Affected: yes.
Comment: See Variant Classification Assertion Criteria.

NM_001866.3(COX7B):c.165+172T>C

Gene: COX7B (cytochrome c oxidase subunit 7B; plus strand). Cytogenetic location: Xq21.1.
Variant type: single nucleotide variant.
Coding change: c.165+172T>C on transcript NM_001866.3 (MANE Select); 172 bases into the intron after coding-DNA position 165, T replaced by C.
Molecular consequence: intron variant.
Genome position (GRCh38, 1-based): chrX:77,902,939, T>C. VCF-style: chrX-77902939-T-C. GRCh37 (hg19) VCF-style: chrX-77158436-T-C.
Identifiers: ClinVar variation 1707248 (VCV001707248.2), dbSNP rs141843491, ClinGen allele CA331581042.